The following is an entry in ClinVar:

NM_000238.4(KCNH2):c.917-18C>T

Gene: KCNH2 (potassium voltage-gated channel subfamily H member 2; minus strand). Cytogenetic location: 7q36.1.
Variant type: single nucleotide variant.
Coding change: c.917-18C>T on transcript NM_000238.4 (MANE Select); 18 bases into the intron before coding-DNA position 917, C replaced by T.
Molecular consequence: intron variant.
Genome position (GRCh38, 1-based): chr7:150,957,520, G>A on the plus strand (C>T on the coding strand, the complement: KCNH2 is on the minus strand). VCF-style: chr7-150957520-G-A. GRCh37 (hg19) VCF-style: chr7-150654608-G-A.
Other names: c.629-18C>T (NM_001406753.1, NM_001406756.1); c.917-18C>T (NM_172056.3); c.740-18C>T (NM_001406755.1); c.617-18C>T (NM_001406757.1).
Identifiers: ClinVar variation 380601 (VCV000380601.9), dbSNP rs1057520866, ClinGen allele CA16605279.

ClinVar aggregate classification (germline): Likely benign. Review status: criteria provided, multiple submitters, no conflicts (2 of 4 stars). 3 submissions from 3 submitters: Likely benign (3). Last evaluated 2024-12-10.

Conditions:
Long QT syndrome (LQTS). Identifiers: MedGen C0023976, MeSH D008133, MONDO:0002442. Disease mechanism: loss of function. Inheritance: Various modes of inheritance.

Allele frequency attached by ClinVar (database versions not stated): gnomAD exomes 0.00001 and 0.00002; TOPMed 0.00002.

Submissions (3):

Labcorp Genetics (formerly Invitae), Labcorp
Classification: Likely benign for Long QT syndrome. Last evaluated: 2024-12-10. Review status: criteria provided, single submitter. Criteria: Invitae Variant Classification Sherloc (09022015). Collection method: clinical testing. Allele origin: germline.

Blueprint Genetics
Classification: Likely benign. Last evaluated: 2024-10-21. Review status: criteria provided, single submitter. Criteria: ACMG Guidelines, 2015. Collection method: clinical testing. Allele origin: germline.

GeneDx
Classification: Likely benign. Last evaluated: 2017-07-10. Review status: criteria provided, single submitter. Criteria: GeneDx Variant Classification (06012015). Collection method: clinical testing. Allele origin: germline. Affected: yes.
Comment: This variant is considered likely benign or benign based on one or more of the following criteria: it is a conservative change, it occurs at a poorly conserved position in the protein, it is predicted to be benign by multiple in silico algorithms, and/or has population frequency not consistent with disease.